The following is an entry in ClinVar:

NM_003709.4(KLF7):c.424C>A (p.Pro142Thr)

Gene: KLF7 (KLF transcription factor 7; minus strand). Cytogenetic location: 2q33.3.
Variant type: single nucleotide variant.
Coding change: c.424C>A on transcript NM_003709.4 (MANE Select); coding-DNA position 424, C replaced by A.
Protein change: p.Pro142Thr; replaces proline 142 with threonine.
Molecular consequence: missense variant.
Genome position (GRCh38, 1-based): chr2:207,124,083, G>T on the plus strand (C>A on the coding strand, the complement: KLF7 is on the minus strand). VCF-style: chr2-207124083-G-T. GRCh37 (hg19) VCF-style: chr2-207988807-G-T.
Other names: c.424C>A, p.Pro142Thr (NM_001270942.1); c.325C>A, p.Pro109Thr (NM_001270943.2); c.340C>A, p.Pro114Thr (NM_001270944.2); short protein forms P114T, P109T, P142T.
Identifiers: ClinVar variation 2270728 (VCV002270728.2), dbSNP rs2469209321, ClinGen allele CA350157563.

ClinVar aggregate classification (germline): Uncertain significance (1 of 4 stars; one submission).

Conditions:
Inborn genetic diseases. Identifiers: MedGen C0950123, MeSH D030342.

Submission:

Ambry Genetics
Classification: Uncertain significance for Inborn genetic diseases. Last evaluated: 2024-03-12. Review status: criteria provided, single submitter. Criteria: Ambry Variant Classification Scheme 2023. Collection method: clinical testing. Allele origin: germline.
Comment: The c.424C>A (p.P142T) alteration is located in exon 2 (coding exon 2) of the KLF7 gene. This alteration results from a C to A substitution at nucleotide position 424, causing the proline (P) at amino acid position 142 to be replaced by a threonine (T). This variant was not reported in population-based cohorts in the Genome Aggregation Database (gnomAD). Another alteration at the same codon, c.424C>G (p.P142A), has been detected de novo in an autism cohort (Zhou, 2022). This amino acid position is highly conserved in available vertebrate species. The in silico prediction for this alteration is inconclusive. Based on insufficient or conflicting evidence, the clinical significance of this alteration remains unclear.

Literature cited by the submitters: PubMed 35982159.